The following is an entry in ClinVar:

ClinVar aggregate classification (germline): Uncertain significance. Review status: criteria provided, multiple submitters, no conflicts (2 of 4 stars). 3 submissions from 3 submitters: Uncertain significance (3). Last evaluated 2024-09-03.

Conditions:
Schimke immuno-osseous dysplasia (SIOD). Also called: Schimke Immunoosseous Dysplasia. Identifiers: Orphanet 1830, MedGen C0877024, MONDO:0009458, OMIM 242900.
Inborn genetic diseases. Identifiers: MedGen C0950123, MeSH D030342.

Allele frequency attached by ClinVar (database versions not stated): gnomAD 0.00001; gnomAD exomes 0.00001 and 0.00004.
gnomAD v4.1: 61 of 1,613,926 alleles (0.0038%); highest among the groups gnomAD compares: Non-Finnish European, 0.0052%; no homozygotes.

Submissions (3):

Ambry Genetics
Classification: Uncertain significance for Inborn genetic diseases. Last evaluated: 2024-09-03. Review status: criteria provided, single submitter. Criteria: Ambry Variant Classification Scheme 2023. Collection method: clinical testing. Allele origin: germline.

Labcorp Genetics (formerly Invitae), Labcorp
Classification: Uncertain significance for Schimke immuno-osseous dysplasia. Last evaluated: 2022-05-27. Review status: criteria provided, single submitter. Criteria: Invitae Variant Classification Sherloc (09022015). Collection method: clinical testing. Allele origin: germline.
Comment: This sequence change replaces proline, which is neutral and non-polar, with leucine, which is neutral and non-polar, at codon 295 of the SMARCAL1 protein (p.Pro295Leu). This variant is present in population databases (no rsID available, gnomAD 0.003%). This variant has not been reported in the literature in individuals affected with SMARCAL1-related conditions. ClinVar contains an entry for this variant (Variation ID: 1311273). Algorithms developed to predict the effect of missense changes on protein structure and function (SIFT, PolyPhen-2, Align-GVGD) all suggest that this variant is likely to be tolerated. In summary, the available evidence is currently insufficient to determine the role of this variant in disease. Therefore, it has been classified as a Variant of Uncertain Significance.

GeneDx
Classification: Uncertain significance. Last evaluated: 2019-12-18. Review status: criteria provided, single submitter. Criteria: GeneDx Variant Classification Process June 2021. Collection method: clinical testing. Allele origin: germline. Affected: yes.
Comment: Not observed at a significant frequency in large population cohorts (Lek et al., 2016); In silico analysis, which includes protein predictors and evolutionary conservation, supports a deleterious effect; Has not been previously published as pathogenic or benign to our knowledge

NM_014140.4(SMARCAL1):c.884C>T (p.Pro295Leu)

Gene: SMARCAL1 (SNF2 related chromatin remodeling annealing helicase 1; plus strand). Cytogenetic location: 2q35.
Variant type: single nucleotide variant.
Coding change: c.884C>T on transcript NM_014140.4 (MANE Select); coding-DNA position 884, C replaced by T.
Protein change: p.Pro295Leu; replaces proline 295 with leucine.
Molecular consequence: missense variant.
Genome position (GRCh38, 1-based): chr2:216,420,320, C>T. VCF-style: chr2-216420320-C-T. GRCh37 (hg19) VCF-style: chr2-217285043-C-T.
Other names: c.884C>T, p.Pro295Leu (NM_001127207.2); short protein forms P295L.
Identifiers: ClinVar variation 1311273 (VCV001311273.4), dbSNP rs1297497711, ClinGen allele CA350498293.
Genomic context (GRCh38, chr2:216,420,320, plus strand): 5'-CTGCTTTATCACTTCTGTTCGATTCTTCTTCTTTGGCAGTGAAAGCAGCCCAGAGCCTCC[C>T]CACGGTCAACCTGCAGCCTCTGGAATGGGCCTATGGCAGCAGCGAGTCACCCTCCACCAG-3'
Protein context (NP_054859.2, residues 285-305): SALMKAAQSL[Pro295Leu]TVNLQPLEWA